The following is an entry in ClinVar:

NM_000501.4(ELN):c.949+6T>C

Gene: ELN (elastin; plus strand). Cytogenetic location: 7q11.23.
Variant type: single nucleotide variant.
Coding change: c.949+6T>C on transcript NM_000501.4 (MANE Select); 6 bases into the intron after coding-DNA position 949, T replaced by C.
Molecular consequence: intron variant.
Genome position (GRCh38, 1-based): chr7:74,051,989, T>C. VCF-style: chr7-74051989-T-C. GRCh37 (hg19) VCF-style: chr7-73466319-T-C.
Other names: c.964+6T>C (NM_001081754.3, NM_001081753.3); c.949+6T>C (NM_001278939.2, NM_001278915.2, NM_001278912.2 and 1 more transcripts); c.907+6T>C (NM_001278916.2); c.841+6T>C (NM_001278913.2); c.934+6T>C (NM_001278914.2); c.919+6T>C (NM_001278917.2, NM_001081752.3); c.817+6T>C (NM_001278918.2).
Identifiers: ClinVar variation 1016155 (VCV001016155.6), dbSNP rs1794154462, ClinGen allele CA1717343617.

ClinVar aggregate classification (germline): Uncertain significance (1 of 4 stars; one submission).

Conditions:
Supravalvar aortic stenosis (SVAS). Also called: Supravalvar aortic stenosis, Eisenberg type. Identifiers: Orphanet 3193, MedGen C0003499, MONDO:0008504, OMIM 185500, HP:0004381.

Submission:

Labcorp Genetics (formerly Invitae), Labcorp
Classification: Uncertain significance for Supravalvar aortic stenosis. Last evaluated: 2020-09-03. Review status: criteria provided, single submitter. Criteria: Invitae Variant Classification Sherloc (09022015). Collection method: clinical testing. Allele origin: germline.
Comment: This variant has not been reported in the literature in individuals with ELN-related conditions. In summary, the available evidence is currently insufficient to determine the role of this variant in disease. Therefore, it has been classified as a Variant of Uncertain Significance. Nucleotide substitutions within the consensus splice site are a relatively common cause of aberrant splicing (PMID: 17576681, 9536098). Algorithms developed to predict the effect of sequence changes on RNA splicing suggest that this variant may disrupt the consensus splice site, but this prediction has not been confirmed by published transcriptional studies. This variant is not present in population databases (ExAC no frequency). This sequence change falls in intron 17 of the ELN gene. It does not directly change the encoded amino acid sequence of the ELN protein, but it affects a nucleotide within the consensus splice site of the intron.

Literature cited by the submitters: PubMed 17576681; PubMed 9536098.